The following is an entry in ClinVar:

ClinVar aggregate classification (germline): Uncertain significance. Review status: criteria provided, multiple submitters, no conflicts (2 of 4 stars). 2 submissions from 2 submitters: Uncertain significance (2). Last evaluated 2022-12-06.

Allele frequency attached by ClinVar (database versions not stated): TOPMed 0.00002; gnomAD 0.00005 and 0.00006.
gnomAD v4.1: 94 of 1,509,090 alleles (0.0062%); highest among the groups gnomAD compares: Non-Finnish European, 0.008%; no homozygotes.

Submissions (2):

Ambry Genetics
Classification: Uncertain significance. Last evaluated: 2022-12-06. Review status: criteria provided, single submitter. Criteria: Ambry Variant Classification Scheme 2023. Collection method: clinical testing. Allele origin: germline.

Labcorp Genetics (formerly Invitae), Labcorp
Classification: Uncertain significance. Last evaluated: 2021-07-12. Review status: criteria provided, single submitter. Criteria: Invitae Variant Classification Sherloc (09022015). Collection method: clinical testing. Allele origin: germline.
Comment: The frequency data for this variant in the population databases is considered unreliable, as metrics indicate insufficient coverage at this position in the ExAC database. This variant has not been reported in the literature in individuals with CCDC141-related conditions. Algorithms developed to predict the effect of missense changes on protein structure and function are either unavailable or do not agree on the potential impact of this missense change (SIFT: "Deleterious"; PolyPhen-2: "Probably Damaging"; Align-GVGD: "Class C0"). In summary, the available evidence is currently insufficient to determine the role of this variant in disease. Therefore, it has been classified as a Variant of Uncertain Significance. This sequence change replaces tryptophan with cysteine at codon 38 of the CCDC141 protein (p.Trp38Cys). The tryptophan residue is weakly conserved and there is a large physicochemical difference between tryptophan and cysteine.

NM_173648.4(CCDC141):c.114G>T (p.Trp38Cys)

Gene: CCDC141 (coiled-coil domain containing 141; minus strand). Cytogenetic location: 2q31.2.
Variant type: single nucleotide variant.
Coding change: c.114G>T on transcript NM_173648.4 (MANE Select); coding-DNA position 114, G replaced by T.
Protein change: p.Trp38Cys; replaces tryptophan 38 with cysteine.
Molecular consequence: missense variant.
Genome position (GRCh38, 1-based): chr2:179,047,395, C>A on the plus strand (G>T on the coding strand, the complement: CCDC141 is on the minus strand). VCF-style: chr2-179047395-C-A. GRCh37 (hg19) VCF-style: chr2-179912122-C-A.
Other names: c.114G>T, p.Trp38Cys (NM_001316745.2); c.114G>T (NM_173648.3); short protein forms W38C.
Identifiers: ClinVar variation 1425982 (VCV001425982.9), dbSNP rs868402123, ClinGen allele CA60993800.
Genomic context (GRCh38, chr2:179,047,395, plus strand): 5'-ATCTTGACTGCTGCCAATTTCTAGAAGATTGGGCTGTGATTCAGCCAGTTGAAGTTGTAC[C>A]CATTTGCCACACTAAAAATAAAAATTAAATAAAATGCACTTTTAGTTCCTCTTGTTCCTT-3'
Protein context (NP_775919.3, residues 28-48): IVIAVIKCGK[Trp38Cys]VQLQLAESQP